The following is an entry in ClinVar:

NM_000091.5(COL4A3):c.326G>A (p.Gly109Asp)

Genes: COL4A3 (collagen type IV alpha 3 chain; plus strand), MFF-DT (MFF divergent transcript; minus strand). Cytogenetic location: 2q36.3.
Variant type: single nucleotide variant.
Coding change: c.326G>A on transcript NM_000091.5 (MANE Select); coding-DNA position 326, G replaced by A.
Protein change: p.Gly109Asp; replaces glycine 109 with aspartic acid.
Molecular consequence: missense variant.
Genome position (GRCh38, 1-based): chr2:227,245,955, G>A. VCF-style: chr2-227245955-G-A. GRCh37 (hg19) VCF-style: chr2-228110671-G-A.
Other names: short protein forms G109D.
Identifiers: ClinVar variation 3900809 (VCV003900809.1).

ClinVar aggregate classification (germline): Uncertain significance (1 of 4 stars; one submission).

gnomAD v4.1: 3 of 1,613,656 alleles (0.00019%); highest among the groups gnomAD compares: Non-Finnish European, 0.00025%; no homozygotes.

Submission:

GeneDx
Classification: Uncertain significance. Last evaluated: 2024-12-02. Review status: criteria provided, single submitter. Criteria: GeneDx Variant Classification Process June 2021. Collection method: clinical testing. Allele origin: germline. Affected: yes.
Comment: Not observed at significant frequency in large population cohorts (gnomAD); In silico analysis supports that this missense variant has a deleterious effect on protein structure/function; Has not been previously published as pathogenic or benign to our knowledge